The following is an entry in ClinVar:

ClinVar aggregate classification (germline): Likely pathogenic (1 of 4 stars; one submission).

Submission:

Dasa
Classification: Likely pathogenic. Last evaluated: 2024-10-10. Review status: criteria provided, single submitter. Criteria: DASA Assertion Criteria. Collection method: clinical testing. Allele origin: germline.
Comment: NM_001079520.2(DACT1):c.1137_1143dup (p.Trp382Glufs*34) is a frameshift variant in DACT1 predicted to alter the reading frame and introduce a premature termination codon and is predicted to result in an absent or altered protein product. Loss of function is an established disease mechanism for DACT1-associated disorders. Also, this variant is rare in population databases. Based on the currently available evidence, this variant is classified as likely pathogenic.

NM_001079520.2(DACT1):c.1137_1143dup (p.Trp382fs)

Gene: DACT1 (dishevelled binding antagonist of beta catenin 1; plus strand). Cytogenetic location: 14q23.1.
Variant type: Duplication.
Coding change: c.1137_1143dup on transcript NM_001079520.2 (MANE Select); coding-DNA positions 1137 to 1143, 7 bases duplicated (GAAGCAG; older notation c.1137_1143dupGAAGCAG).
Protein change: p.Trp382fs; shifts the reading frame from tryptophan 382.
Molecular consequence: frameshift variant. On other transcripts: non-coding transcript variant (5).
Genome position (GRCh38, 1-based): chr14:58,645,871-58,645,877, GAAGCAG duplicated. VCF-style (leftmost placement, unchanged base first): chr14-58645870-C-CGAAGCAG. GRCh37 (hg19) VCF-style: chr14-59112588-C-CGAAGCAG.
Other names: c.1248_1254dup, p.Trp419fs (NM_016651.6); short protein forms W382fs, W419fs.
Identifiers: ClinVar variation 4880776 (VCV004880776.2).